The following is an entry in ClinVar:

ClinVar aggregate classification (germline): Uncertain significance (1 of 4 stars; one submission).

Allele frequency attached by ClinVar (database versions not stated): gnomAD exomes below 0.00001.
gnomAD v4.1: 1 of 1,552,770 alleles (0.000064%); highest among the groups gnomAD compares: Non-Finnish European, 0.000089%; no homozygotes.

Submission:

Labcorp Genetics (formerly Invitae), Labcorp
Classification: Uncertain significance. Last evaluated: 2025-05-27. Review status: criteria provided, single submitter. Criteria: Invitae Variant Classification Sherloc (09022015). Collection method: clinical testing. Allele origin: germline.
Comment: This sequence change replaces leucine, which is neutral and non-polar, with isoleucine, which is neutral and non-polar, at codon 745 of the GUCY2C protein (p.Leu745Ile). This variant is not present in population databases (gnomAD no frequency). This variant has not been reported in the literature in individuals affected with GUCY2C-related conditions. ClinVar contains an entry for this variant (Variation ID: 2717875). Invitae Evidence Modeling of protein sequence and biophysical properties (such as structural, functional, and spatial information, amino acid conservation, physicochemical variation, residue mobility, and thermodynamic stability) indicates that this missense variant is not expected to disrupt GUCY2C protein function with a negative predictive value of 80%. In summary, the available evidence is currently insufficient to determine the role of this variant in disease. Therefore, it has been classified as a Variant of Uncertain Significance.

NM_004963.4(GUCY2C):c.2233C>A (p.Leu745Ile)

Gene: GUCY2C (guanylate cyclase 2C; minus strand). Cytogenetic location: 12p12.3.
Variant type: single nucleotide variant.
Coding change: c.2233C>A on transcript NM_004963.4 (MANE Select); coding-DNA position 2233, C replaced by A.
Protein change: p.Leu745Ile; replaces leucine 745 with isoleucine.
Molecular consequence: missense variant.
Genome position (GRCh38, 1-based): chr12:14,628,662, G>T on the plus strand (C>A on the coding strand, the complement: GUCY2C is on the minus strand). VCF-style: chr12-14628662-G-T. GRCh37 (hg19) VCF-style: chr12-14781596-G-T.
Other names: short protein forms L745I.
Identifiers: ClinVar variation 2717875 (VCV002717875.3), dbSNP rs1947074226, ClinGen allele CA383998535.